The following is an entry in ClinVar:

ClinVar aggregate classification (germline): Likely benign. Review status: criteria provided, multiple submitters, no conflicts (2 of 4 stars). 5 submissions from 5 submitters: Likely benign (5). Last evaluated 2026-06-02.

Conditions:
MYBPC3-related disorder. Also called: MYBPC3-related condition; MYBPC3-related disease; MYBPC3-related disorders.
Cardiovascular phenotype. Identifiers: MedGen CN230736.
Cardiomyopathy (CMYO). Also called: Cardiomyopathies. Identifiers: Orphanet 167848, MedGen C0878544, MONDO:0004994, HP:0001638. Inheritance: Various modes of inheritance.
Hypertrophic cardiomyopathy. Also called: HYPERTROPHIC MYOCARDIOPATHY. Identifiers: Orphanet 217569, MedGen C0007194, MeSH D002312, MONDO:0005045, HP:0001639.

Allele frequency attached by ClinVar (database versions not stated): ExAC 0.00001; gnomAD exomes 0.00001 and 0.00003; gnomAD 0.00002; TOPMed 0.00002.
gnomAD v4.1: 44 of 1,610,286 alleles (0.0027%); highest among the groups gnomAD compares: Non-Finnish European, 0.0036%; no homozygotes.

Submissions (5):

PreventionGenetics, part of Exact Sciences
Classification: Likely benign for MYBPC3-related condition. Last evaluated: 2026-06-02. Review status: criteria provided, single submitter. Criteria: ACMG Guidelines, 2015. Collection method: clinical testing. Allele origin: germline.
Comment: This variant is classified as likely benign based on ACMG/AMP sequence variant interpretation guidelines (Richards et al. 2015 PMID: 25741868, with internal and published modifications).

Labcorp Genetics (formerly Invitae), Labcorp
Classification: Likely benign for Hypertrophic cardiomyopathy. Last evaluated: 2025-04-14. Review status: criteria provided, single submitter. Criteria: Invitae Variant Classification Sherloc (09022015). Collection method: clinical testing. Allele origin: germline.

All of Us Research Program, National Institutes of Health
Classification: Likely benign for Hypertrophic cardiomyopathy. Last evaluated: 2024-01-05. Review status: criteria provided, single submitter. Criteria: ACMG Guidelines, 2015. Collection method: clinical testing. Allele origin: germline. Inheritance: Autosomal dominant inheritance. Observed: 5 variant alleles, 5 heterozygotes.
Comment: This study involves interpretation of variants in research participants for the purpose of population health screening. Participant phenotype was not available at the time of variant classification. Additional details can be found in publication PMID: 35346344, PMCID: PMC8962531

Ambry Genetics
Classification: Likely benign for Cardiovascular phenotype. Last evaluated: 2022-03-25. Review status: criteria provided, single submitter. Criteria: Ambry Variant Classification Scheme 2023. Collection method: clinical testing. Allele origin: germline.

Color Diagnostics, LLC DBA Color Health
Classification: Likely benign for Cardiomyopathy. Last evaluated: 2020-12-01. Review status: criteria provided, single submitter. Criteria: ACMG Guidelines, 2015. Collection method: clinical testing. Allele origin: germline.

NM_000256.3(MYBPC3):c.1179G>A (p.Glu393=)

Gene: MYBPC3 (myosin binding protein C3; minus strand). Cytogenetic location: 11p11.2.
Variant type: single nucleotide variant.
Coding change: c.1179G>A on transcript NM_000256.3 (MANE Select); coding-DNA position 1179, G replaced by A.
Protein change: p.Glu393=; no amino-acid change (glutamic acid 393 retained).
Molecular consequence: synonymous variant.
Genome position (GRCh38, 1-based): chr11:47,343,536, C>T on the plus strand (G>A on the coding strand, the complement: MYBPC3 is on the minus strand). VCF-style: chr11-47343536-C-T. GRCh37 (hg19) VCF-style: chr11-47365087-C-T.
Identifiers: ClinVar variation 705111 (VCV000705111.15), dbSNP rs770549835, ClinGen allele CA043005.